The following is an entry in ClinVar:

ClinVar aggregate classification (germline): Uncertain significance (1 of 4 stars; one submission).

Conditions:
Cardiovascular phenotype. Identifiers: MedGen CN230736.

Allele frequency attached by ClinVar (database versions not stated): gnomAD exomes below 0.00001; ExAC 0.00001.
gnomAD v4.1: 1 of 1,602,808 alleles (0.000062%); highest among the groups gnomAD compares: Non-Finnish European, 0.000085%; no homozygotes.

Submission:

Ambry Genetics
Classification: Uncertain significance for Cardiovascular phenotype. Last evaluated: 2020-01-29. Review status: criteria provided, single submitter. Criteria: Ambry Variant Classification Scheme 2023. Collection method: clinical testing. Allele origin: germline.
Comment: The p.E1997D variant (also known as c.5991G>T), located in coding exon 25 of the AKAP9 gene, results from a G to T substitution at nucleotide position 5991. The glutamic acid at codon 1997 is replaced by aspartic acid, an amino acid with highly similar properties. This amino acid position is highly conserved in available vertebrate species. In addition, this alteration is predicted to be tolerated by in silico analysis. Since supporting evidence is limited at this time, the clinical significance of this alteration remains unclear.

NM_005751.5(AKAP9):c.5991G>T (p.Glu1997Asp)

Gene: AKAP9 (A-kinase anchoring protein 9; plus strand). Cytogenetic location: 7q21.2.
Variant type: single nucleotide variant.
Coding change: c.5991G>T on transcript NM_005751.5 (MANE Select); coding-DNA position 5991, G replaced by T.
Protein change: p.Glu1997Asp; replaces glutamic acid 1997 with aspartic acid.
Molecular consequence: missense variant.
Genome position (GRCh38, 1-based): chr7:92,065,244, G>T. VCF-style: chr7-92065244-G-T. GRCh37 (hg19) VCF-style: chr7-91694558-G-T.
Other names: c.636G>T, p.Glu212Asp (NM_001379277.1); c.5991G>T, p.Glu1997Asp (NM_147185.3); short protein forms E212D, E1997D.
Identifiers: ClinVar variation 1750909 (VCV001750909.2), dbSNP rs765704985, ClinGen allele CA4336984.